The following is an entry in ClinVar:

ClinVar aggregate classification (germline): Uncertain significance (1 of 4 stars; one submission).

Conditions:
Familial cold autoinflammatory syndrome 2 (FCAS2). Identifiers: Orphanet 247868, MedGen C2673198, MONDO:0012724, OMIM 611762.

gnomAD v4.1: 12 of 1,614,124 alleles (0.00074%); highest among the groups gnomAD compares: Non-Finnish European, 0.001%; no homozygotes.

Submission:

Labcorp Genetics (formerly Invitae), Labcorp
Classification: Uncertain significance for Familial cold autoinflammatory syndrome 2. Last evaluated: 2026-01-15. Review status: criteria provided, single submitter. Criteria: Invitae Variant Classification Sherloc (09022015). Collection method: clinical testing. Allele origin: germline.
Comment: This sequence change replaces alanine, which is neutral and non-polar, with serine, which is neutral and polar, at codon 928 of the NLRP12 protein (p.Ala928Ser). This variant is not present in population databases (gnomAD no frequency). This variant has not been reported in the literature in individuals affected with NLRP12-related conditions. ClinVar contains an entry for this variant (Variation ID: 2729884). An algorithm developed to predict the effect of missense changes on protein structure and function (PolyPhen-2) suggests that this variant is likely to be tolerated. In summary, the available evidence is currently insufficient to determine the role of this variant in disease. Therefore, it has been classified as a Variant of Uncertain Significance.

NM_144687.4(NLRP12):c.2782G>T (p.Ala928Ser)

Gene: NLRP12 (NLR family pyrin domain containing 12; minus strand). Cytogenetic location: 19q13.42.
Variant type: single nucleotide variant.
Coding change: c.2782G>T on transcript NM_144687.4 (MANE Select); coding-DNA position 2782, G replaced by T.
Protein change: p.Ala928Ser; replaces alanine 928 with serine.
Molecular consequence: missense variant. On other transcripts: intron variant (1).
Genome position (GRCh38, 1-based): chr19:53,798,388, C>A on the plus strand (G>T on the coding strand, the complement: NLRP12 is on the minus strand). VCF-style: chr19-53798388-C-A. GRCh37 (hg19) VCF-style: chr19-54301642-C-A.
Other names: c.2785G>T, p.Ala929Ser (NM_001277126.2); c.2757-2359G>T (NM_001277129.1); short protein forms A928S, A929S.
Identifiers: ClinVar variation 2729884 (VCV002729884.3), dbSNP rs762023965, ClinGen allele CA407408008.
Genomic context (GRCh38, chr19:53,798,388, plus strand): 5'-AGTCCAGCTCCCGGAGGTTGTGGTTGGCCTGGAGCACCACAGAAAGACCCTCACAGGCGG[C>A]AGAGCCCAGCCGGCAGATGCCCAACCTGCAAAGACAGGATGCTAGGGCGGAGTGGGAGGC-3'
Protein context (NP_653288.1, residues 918-938): LRLGICRLGS[Ala928Ser]ACEGLSVVLQ